The following is an entry in ClinVar:

NM_001378452.1(ITPR1):c.2780-3T>C

Gene: ITPR1 (inositol 1,4,5-trisphosphate receptor type 1; plus strand). Cytogenetic location: 3p26.1.
Variant type: single nucleotide variant.
Coding change: c.2780-3T>C on transcript NM_001378452.1 (MANE Select); 3 bases into the intron before coding-DNA position 2780, T replaced by C.
Molecular consequence: intron variant.
Genome position (GRCh38, 1-based): chr3:4,676,611, T>C. VCF-style: chr3-4676611-T-C. GRCh37 (hg19) VCF-style: chr3-4718295-T-C.
Other names: c.2753-3T>C (NM_001099952.4); c.2735-3T>C (NM_001168272.2); c.2708-3T>C (NM_002222.7).
Identifiers: ClinVar variation 3111736 (VCV003111736.1), dbSNP rs748113481, ClinGen allele CA68823256.

ClinVar aggregate classification (germline): Uncertain significance (1 of 4 stars; one submission).

Conditions:
Inborn genetic diseases. Identifiers: MedGen C0950123, MeSH D030342.

Allele frequency attached by ClinVar (database versions not stated): TOPMed 0.00001; gnomAD 0.00003; gnomAD exomes 0.00003.
gnomAD v4.1: 44 of 1,613,008 alleles (0.0027%); highest among the groups gnomAD compares: Non-Finnish European, 0.0036%; no homozygotes.

Submission:

Ambry Genetics
Classification: Uncertain significance for Inborn genetic diseases. Last evaluated: 2023-09-29. Review status: criteria provided, single submitter. Criteria: Ambry Variant Classification Scheme 2023. Collection method: clinical testing. Allele origin: germline.
Comment: The c.2708-3T>C intronic alteration consists of a T to C substitution 3 nucleotides before coding exon 21 in the ITPR1 gene. Based on insufficient or conflicting evidence, the clinical significance of this alteration remains unclear.